The following is an entry in ClinVar:

NM_000501.4(ELN):c.689A>T (p.Tyr230Phe)

Gene: ELN (elastin; plus strand). Cytogenetic location: 7q11.23.
Variant type: single nucleotide variant.
Coding change: c.689A>T on transcript NM_000501.4 (MANE Select); coding-DNA position 689, A replaced by T.
Protein change: p.Tyr230Phe; replaces tyrosine 230 with phenylalanine.
Molecular consequence: missense variant.
Genome position (GRCh38, 1-based): chr7:74,048,145, A>T. VCF-style: chr7-74048145-A-T. GRCh37 (hg19) VCF-style: chr7-73462475-A-T.
Other names: c.659A>T, p.Tyr220Phe (NM_001081752.3, NM_001278917.2); c.704A>T, p.Tyr235Phe (NM_001081753.3, NM_001081754.3); c.689A>T, p.Tyr230Phe (NM_001081755.3, NM_001278912.2, NM_001278915.2 and 1 more transcripts); c.581A>T, p.Tyr194Phe (NM_001278913.2); c.674A>T, p.Tyr225Phe (NM_001278914.2); c.647A>T, p.Tyr216Phe (NM_001278916.2); c.557A>T, p.Tyr186Phe (NM_001278918.2); short protein forms Y186F, Y194F, Y216F, Y220F, Y225F, Y230F, Y235F.
Identifiers: ClinVar variation 1310106 (VCV001310106.6), dbSNP rs1411516655, ClinGen allele CA367870467.
Genomic context (GRCh38, chr7:74,048,145, plus strand): 5'-GGAGGGCAGCAGTGGTGATGTCTGCACAGATGACCATCAAGCCTCTCTGTTTTGCAGGCT[A>T]TGGGCCCGGAGGAGTGGCTGGTGCAGCGGGCAAGGCTGGTTACCCAACAGGGACAGGTAA-3'
Protein context (NP_000492.2, residues 220-240): PYTTGKLPYG[Tyr230Phe]GPGGVAGAAG

ClinVar aggregate classification (germline): Uncertain significance. Review status: criteria provided, multiple submitters, no conflicts (2 of 4 stars). 2 submissions from 2 submitters: Uncertain significance (2). Last evaluated 2023-03-10.

Conditions:
Supravalvar aortic stenosis (SVAS). Also called: Supravalvar aortic stenosis, Eisenberg type. Identifiers: Orphanet 3193, MedGen C0003499, MONDO:0008504, OMIM 185500, HP:0004381.

Allele frequency attached by ClinVar (database versions not stated): gnomAD exomes 0.00001.
gnomAD v4.1: 25 of 1,613,900 alleles (0.0015%); highest among the groups gnomAD compares: Non-Finnish European, 0.002%; no homozygotes.

Submissions (2):

Labcorp Genetics (formerly Invitae), Labcorp
Classification: Uncertain significance for Supravalvar aortic stenosis. Last evaluated: 2023-03-10. Review status: criteria provided, single submitter. Criteria: Invitae Variant Classification Sherloc (09022015). Collection method: clinical testing. Allele origin: germline.
Comment: In summary, the available evidence is currently insufficient to determine the role of this variant in disease. Therefore, it has been classified as a Variant of Uncertain Significance. Advanced modeling of protein sequence and biophysical properties (such as structural, functional, and spatial information, amino acid conservation, physicochemical variation, residue mobility, and thermodynamic stability) performed at Invitae indicates that this missense variant is not expected to disrupt ELN protein function. ClinVar contains an entry for this variant (Variation ID: 1310106). This sequence change replaces tyrosine, which is neutral and polar, with phenylalanine, which is neutral and non-polar, at codon 230 of the ELN protein (p.Tyr230Phe). This variant is present in population databases (no rsID available, gnomAD 0.003%). This variant has not been reported in the literature in individuals affected with ELN-related conditions.

GeneDx
Classification: Uncertain significance. Last evaluated: 2019-11-11. Review status: criteria provided, single submitter. Criteria: GeneDx Variant Classification Process June 2021. Collection method: clinical testing. Allele origin: germline. Affected: yes.
Comment: Has not been previously published as pathogenic or benign to our knowledge; Not observed at a significant frequency in large population cohorts (Lek et al., 2016); In silico analysis, which includes protein predictors and evolutionary conservation, supports that this variant does not alter protein structure/function